The following is an entry in ClinVar:

NM_000051.4(ATM):c.6328dup (p.Asp2110fs)

Genes: ATM (ATM serine/threonine kinase; plus strand), C11orf65 (chromosome 11 open reading frame 65; minus strand). Cytogenetic location: 11q22.3.
Variant type: Duplication.
Coding change: c.6328dup on transcript NM_000051.4 (MANE Select); coding-DNA position 6328, one base duplicated (G; older notation c.6328dupG).
Protein change: p.Asp2110fs; shifts the reading frame from aspartic acid 2110.
Molecular consequence: frameshift variant. On other transcripts: intron variant (2).
Genome position (GRCh38, 1-based): chr11:108,317,502, G duplicated; the last of 3 consecutive G bases (chr11:108,317,500-108,317,502); duplicating any one gives the same sequence. VCF-style (leftmost placement, unchanged base first): chr11-108317499-T-TG. GRCh37 (hg19) VCF-style: chr11-108188226-T-TG.
Other names: c.6328dup, p.Asp2110fs (NM_001351834.2); c.641-8429dup (NM_001330368.2); c.*39-8429dup (NM_001351110.2); short protein forms D2110fs.
Identifiers: ClinVar variation 2032106 (VCV002032106.4), dbSNP rs2547116837, ClinGen allele CA2580083397.

ClinVar aggregate classification (germline): Pathogenic (1 of 4 stars; one submission).

Conditions:
Ataxia-telangiectasia syndrome (AT). Also called: Ataxia-telangiectasia, complementation group D; AT, COMPLEMENTATION GROUP C; ATAXIA-TELANGIECTASIA, COMPLEMENTATION GROUP A; ATAXIA-TELANGIECTASIA, FRESNO VARIANT; Ataxia-telangiectasia, complementation group E; LOUIS-BAR SYNDROME. Identifiers: Orphanet 100, MedGen C0004135, MONDO:0008840, OMIM 208900.

Submission:

Labcorp Genetics (formerly Invitae), Labcorp
Classification: Pathogenic for Ataxia-telangiectasia syndrome. Last evaluated: 2022-09-28. Review status: criteria provided, single submitter. Criteria: Invitae Variant Classification Sherloc (09022015). Collection method: clinical testing. Allele origin: germline.
Comment: This sequence change creates a premature translational stop signal (p.Asp2110Glyfs*17) in the ATM gene. It is expected to result in an absent or disrupted protein product. Loss-of-function variants in ATM are known to be pathogenic (PMID: 23807571, 25614872). This variant is not present in population databases (gnomAD no frequency). This variant has not been reported in the literature in individuals affected with ATM-related conditions. For these reasons, this variant has been classified as Pathogenic.

Literature cited by the submitters: PubMed 23807571; PubMed 25614872.